The following is an entry in ClinVar:

ClinVar aggregate classification (germline): Uncertain significance (1 of 4 stars; one submission).

Submission:

CeGaT Center for Human Genetics Tuebingen
Classification: Uncertain significance. Last evaluated: 2024-08-01. Review status: criteria provided, single submitter. Criteria: CeGaT Center For Human Genetics Tuebingen Variant Classification Criteria Version 2. Collection method: clinical testing. Allele origin: germline. Affected: yes. Observed: 1 variant allele.
Comment: IFT122: PM2, PP3

NM_052989.3(IFT122):c.1883A>C (p.Lys628Thr)

Gene: IFT122 (intraflagellar transport 122; plus strand). Cytogenetic location: 3q21.3.
Variant type: single nucleotide variant.
Coding change: c.1883A>C on transcript NM_052989.3 (MANE Select); coding-DNA position 1883, A replaced by C.
Protein change: p.Lys628Thr; replaces lysine 628 with threonine.
Molecular consequence: missense variant.
Genome position (GRCh38, 1-based): chr3:129,488,288, A>C. VCF-style: chr3-129488288-A-C. GRCh37 (hg19) VCF-style: chr3-129207131-A-C.
Other names: c.1706A>C, p.Lys569Thr (NM_001410813.1, NM_018262.4, NM_001410810.1 and 1 more transcripts); c.1550A>C, p.Lys517Thr (NM_001410815.1, NM_001410817.1, NM_052990.3); c.2036A>C, p.Lys679Thr (NM_052985.4); c.1859A>C, p.Lys620Thr (NM_001280541.2); c.1433A>C, p.Lys478Thr (NM_001280545.2); c.1256A>C, p.Lys419Thr (NM_001280546.2); c.1883A>C, p.Lys628Thr (NM_001410808.1, NM_001410809.1); short protein forms K419T, K478T, K517T, K569T, K620T, K628T, K679T.
Identifiers: ClinVar variation 3342087 (VCV003342087.16).
Genomic context (GRCh38, chr3:129,488,288, plus strand): 5'-TCTTTTTTTCCCTTGATGAAATCCTGCAGTCCGCTCCCATGTACCAGTACCTGGATAGGA[A>C]ACTGTTCAAGGAAGCCTACCAGATTGCTTGCTTGGGTGTCACAGACACTGATTGGCGTGA-3'
Protein context (NP_443715.1, residues 618-638): SAPMYQYLDR[Lys628Thr]LFKEAYQIAC